The following is an entry in ClinVar:

NM_032802.4(SPPL2A):c.965T>A (p.Ile322Asn)

Gene: SPPL2A (signal peptide peptidase like 2A; minus strand). Cytogenetic location: 15q21.2.
Variant type: single nucleotide variant.
Coding change: c.965T>A on transcript NM_032802.4 (MANE Select); coding-DNA position 965, T replaced by A.
Protein change: p.Ile322Asn; replaces isoleucine 322 with asparagine.
Molecular consequence: missense variant.
Genome position (GRCh38, 1-based): chr15:50,732,652, A>T on the plus strand (T>A on the coding strand, the complement: SPPL2A is on the minus strand). VCF-style: chr15-50732652-A-T. GRCh37 (hg19) VCF-style: chr15-51024849-A-T.
Other names: short protein forms I322N.
Identifiers: ClinVar variation 2738199 (VCV002738199.3), dbSNP rs1243463032, ClinGen allele CA392411428.
Genomic context (GRCh38, chr15:50,732,652, plus strand): 5'-GTATACATTACCTTGAAGTTGGGCAACTTCAGTGTTTTAATTAAATTCAGACAGAAAGCA[A>T]TCCCCAAGATATCCTGTAAAATCCAAGCCCACCTAAAATCAAAAAATATTACTCTATTGC-3'
Protein context (NP_116191.2, residues 312-332): WAWILQDILG[Ile322Asn]AFCLNLIKTL

ClinVar aggregate classification (germline): Uncertain significance (1 of 4 stars; one submission).

Submission:

Labcorp Genetics (formerly Invitae), Labcorp
Classification: Uncertain significance. Last evaluated: 2024-11-07. Review status: criteria provided, single submitter. Criteria: Invitae Variant Classification Sherloc (09022015). Collection method: clinical testing. Allele origin: germline.
Comment: This sequence change replaces isoleucine, which is neutral and non-polar, with asparagine, which is neutral and polar, at codon 322 of the SPPL2A protein (p.Ile322Asn). This variant is present in population databases (no rsID available, gnomAD 0.0009%). This variant has not been reported in the literature in individuals affected with SPPL2A-related conditions. ClinVar contains an entry for this variant (Variation ID: 2738199). An algorithm developed to predict the effect of missense changes on protein structure and function (PolyPhen-2) suggests that this variant is likely to be disruptive. In summary, the available evidence is currently insufficient to determine the role of this variant in disease. Therefore, it has been classified as a Variant of Uncertain Significance.